The following is an entry in ClinVar:

NM_032193.4(RNASEH2C):c.311C>T (p.Thr104Ile)

Gene: RNASEH2C (ribonuclease H2 subunit C; minus strand). Cytogenetic location: 11q13.1.
Variant type: single nucleotide variant.
Coding change: c.311C>T on transcript NM_032193.4 (MANE Select); coding-DNA position 311, C replaced by T.
Protein change: p.Thr104Ile; replaces threonine 104 with isoleucine.
Molecular consequence: missense variant.
Genome position (GRCh38, 1-based): chr11:65,720,279, G>A on the plus strand (C>T on the coding strand, the complement: RNASEH2C is on the minus strand). VCF-style: chr11-65720279-G-A. GRCh37 (hg19) VCF-style: chr11-65487750-G-A.
Other names: short protein forms T104I.
Identifiers: ClinVar variation 1467491 (VCV001467491.5), dbSNP rs1318717066, ClinGen allele CA381298667.

ClinVar aggregate classification (germline): Uncertain significance (1 of 4 stars; one submission).

Conditions:
Aicardi-Goutieres syndrome 3. Identifiers: Orphanet 51, MedGen C1835916, MONDO:0012471, OMIM 610329.

Allele frequency attached by ClinVar (database versions not stated): gnomAD exomes below 0.00001; TOPMed below 0.00001.
gnomAD v4.1: 1 of 1,614,244 alleles (0.000062%); highest among the groups gnomAD compares: African/African-American, 0.0013%; no homozygotes.

Submission:

Labcorp Genetics (formerly Invitae), Labcorp
Classification: Uncertain significance for Aicardi-Goutieres syndrome 3. Last evaluated: 2021-09-24. Review status: criteria provided, single submitter. Criteria: Invitae Variant Classification Sherloc (09022015). Collection method: clinical testing. Allele origin: germline.
Comment: This sequence change replaces threonine with isoleucine at codon 104 of the RNASEH2C protein (p.Thr104Ile). The threonine residue is weakly conserved and there is a moderate physicochemical difference between threonine and isoleucine. This variant is not present in population databases (ExAC no frequency). This variant has not been reported in the literature in individuals with RNASEH2C-related conditions. Algorithms developed to predict the effect of missense changes on protein structure and function (SIFT, PolyPhen-2, Align-GVGD) all suggest that this variant is likely to be tolerated, but these predictions have not been confirmed by published functional studies and their clinical significance is uncertain. In summary, the available evidence is currently insufficient to determine the role of this variant in disease. Therefore, it has been classified as a Variant of Uncertain Significance.